The following is an entry in ClinVar:

NM_006231.4(POLE):c.4024G>A (p.Ala1342Thr)

Gene: POLE (DNA polymerase epsilon, catalytic subunit; minus strand). Cytogenetic location: 12q24.33.
Variant type: single nucleotide variant.
Coding change: c.4024G>A on transcript NM_006231.4 (MANE Select); coding-DNA position 4024, G replaced by A.
Protein change: p.Ala1342Thr; replaces alanine 1342 with threonine.
Molecular consequence: missense variant.
Genome position (GRCh38, 1-based): chr12:132,649,054, C>T on the plus strand (G>A on the coding strand, the complement: POLE is on the minus strand). VCF-style: chr12-132649054-C-T. GRCh37 (hg19) VCF-style: chr12-133225640-C-T.
Other names: c.4024G>A (NM_006231.2); short protein forms A1342T.
Identifiers: ClinVar variation 574630 (VCV000574630.11), dbSNP rs1301501264, ClinGen allele CA387383983.

ClinVar aggregate classification (germline): Conflicting classifications of pathogenicity. Review status: criteria provided, conflicting classifications (1 of 4 stars). 2 submissions from 2 submitters: Uncertain significance (1); Likely benign (1). Last evaluated 2025-11-17.

Conditions:
Hereditary cancer-predisposing syndrome. Also called: Neoplastic Syndromes, Hereditary; Hereditary Cancer Syndrome; Tumor predisposition; Hereditary neoplastic syndrome. Identifiers: Orphanet 140162, MedGen C0027672, MeSH D009386, MONDO:0015356.

Allele frequency attached by ClinVar (database versions not stated): gnomAD exomes 0.00001.
gnomAD v4.1: 3 of 1,612,564 alleles (0.00019%); highest among the groups gnomAD compares: South Asian, 0.0022%; no homozygotes.

Submissions (2):

Ambry Genetics
Classification: Likely benign for Hereditary cancer-predisposing syndrome. Last evaluated: 2025-11-17. Review status: criteria provided, single submitter. Criteria: Ambry Variant Classification Scheme 2023. Collection method: clinical testing. Allele origin: germline.

Labcorp Genetics (formerly Invitae), Labcorp
Classification: Uncertain significance. Last evaluated: 2024-10-07. Review status: criteria provided, single submitter. Criteria: Invitae Variant Classification Sherloc (09022015). Collection method: clinical testing. Allele origin: germline.
Comment: This sequence change replaces alanine, which is neutral and non-polar, with threonine, which is neutral and polar, at codon 1342 of the POLE protein (p.Ala1342Thr). This variant is present in population databases (no rsID available, gnomAD 0.007%). This variant has not been reported in the literature in individuals affected with POLE-related conditions. ClinVar contains an entry for this variant (Variation ID: 574630). Invitae Evidence Modeling of protein sequence and biophysical properties (such as structural, functional, and spatial information, amino acid conservation, physicochemical variation, residue mobility, and thermodynamic stability) indicates that this missense variant is not expected to disrupt POLE protein function with a negative predictive value of 80%. In summary, the available evidence is currently insufficient to determine the role of this variant in disease. Therefore, it has been classified as a Variant of Uncertain Significance.